The following is an entry in ClinVar:

NM_002386.4(MC1R):c.823T>C (p.Cys275Arg)

Gene: MC1R (melanocortin 1 receptor; plus strand). Cytogenetic location: 16q24.3.
Variant type: single nucleotide variant.
Coding change: c.823T>C on transcript NM_002386.4 (MANE Select); coding-DNA position 823, T replaced by C.
Protein change: p.Cys275Arg; replaces cysteine 275 with arginine.
Molecular consequence: missense variant.
Genome position (GRCh38, 1-based): chr16:89,920,081, T>C. VCF-style: chr16-89920081-T-C. GRCh37 (hg19) VCF-style: chr16-89986489-T-C.
Other names: short protein forms C275R.
Identifiers: ClinVar variation 654847 (VCV000654847.6), dbSNP rs1398171215, ClinGen allele CA397463386.
Genomic context (GRCh38, chr16:89,920,081, plus strand): 5'-GGCCCCTTCTTCCTGCATCTCACACTCATCGTCCTCTGCCCCGAGCACCCCACGTGCGGC[T>C]GCATCTTCAAGAACTTCAACCTCTTTCTCGCCCTCATCATCTGCAATGCCATCATCGACC-3'
Protein context (NP_002377.4, residues 265-285): VLCPEHPTCG[Cys275Arg]IFKNFNLFLA

ClinVar aggregate classification (germline): Uncertain significance (1 of 4 stars; one submission).

Conditions:
Melanoma, cutaneous malignant, susceptibility to, 5. Also called: Cutaneous malignant melanoma 5. Identifiers: Orphanet 618, MedGen C2751295, MONDO:0013133, OMIM 613099.

Allele frequency attached by ClinVar (database versions not stated): gnomAD exomes below 0.00001 and 0.00001; TOPMed below 0.00001; gnomAD 0.00001.
gnomAD v4.1: 8 of 1,613,802 alleles (0.0005%); highest among the groups gnomAD compares: Non-Finnish European, 0.00059%; no homozygotes.

Submission:

Labcorp Genetics (formerly Invitae), Labcorp
Classification: Uncertain significance for Melanoma, cutaneous malignant, susceptibility to, 5. Last evaluated: 2025-12-31. Review status: criteria provided, single submitter. Criteria: Invitae Variant Classification Sherloc (09022015). Collection method: clinical testing. Allele origin: germline.
Comment: This sequence change replaces cysteine, which is neutral and slightly polar, with arginine, which is basic and polar, at codon 275 of the MC1R protein (p.Cys275Arg). This variant is present in population databases (no rsID available, gnomAD 0.002%). This missense change has been observed in individual(s) with melanoma (PMID: 16982779). ClinVar contains an entry for this variant (Variation ID: 654847). An algorithm developed to predict the effect of missense changes on protein structure and function (PolyPhen-2) suggests that this variant is likely to be disruptive. In summary, the available evidence is currently insufficient to determine the role of this variant in disease. Therefore, it has been classified as a Variant of Uncertain Significance.

Literature cited by the submitters: PubMed 16982779.